The following is an entry in ClinVar:

ClinVar aggregate classification (germline): Likely benign. Review status: criteria provided, multiple submitters, no conflicts (2 of 4 stars). 4 submissions from 4 submitters: Likely benign (3). 1 of the submissions does not count toward it. Last evaluated 2025-07-02.

Conditions:
Hereditary cancer-predisposing syndrome. Also called: Hereditary Cancer Syndrome; Neoplastic Syndromes, Hereditary; Tumor predisposition; Hereditary neoplastic syndrome. Identifiers: Orphanet 140162, MedGen C0027672, MeSH D009386, MONDO:0015356.
POT1-related disorder. Also called: POT1-related condition.
Tumor predisposition syndrome 3 (TPDS3). Also called: Glioma susceptibility 9; LONG TELOMERE SYNDROME, POT1-RELATED; POT1 Tumor Predisposition; Melanoma, cutaneous malignant, susceptibility to, 10. Identifiers: Orphanet 618, MedGen C4014476, MONDO:0014368, OMIM 615848.

Allele frequency attached by ClinVar (database versions not stated): gnomAD exomes below 0.00001 and 0.00001; gnomAD 0.00002; TOPMed 0.00003.
gnomAD v4.1: 6 of 1,603,382 alleles (0.00037%); highest among the groups gnomAD compares: African/African-American, 0.0067%; no homozygotes.

Submissions (4):

Labcorp Genetics (formerly Invitae), Labcorp
Classification: Likely benign for Tumor predisposition syndrome 3. Last evaluated: 2025-07-02. Review status: criteria provided, single submitter. Criteria: Invitae Variant Classification Sherloc (09022015). Collection method: clinical testing. Allele origin: germline.

Sema4
Classification: Likely benign for Hereditary cancer-predisposing syndrome. Last evaluated: 2022-02-13. Review status: criteria provided, single submitter. Criteria: Sema4 Curation Guidelines. Collection method: curation. Allele origin: germline.

Ambry Genetics
Classification: Likely benign for Hereditary cancer-predisposing syndrome. Last evaluated: 2021-11-29. Review status: criteria provided, single submitter. Criteria: Ambry Variant Classification Scheme 2023. Collection method: clinical testing. Allele origin: germline.

PreventionGenetics, part of Exact Sciences
Classification: Likely benign for POT1-related condition. Last evaluated: 2023-02-07. Review status: no assertion criteria provided. Collection method: clinical testing. Allele origin: germline. Not counted in ClinVar's aggregate classification.
Comment: This variant is classified as likely benign based on ACMG/AMP sequence variant interpretation guidelines (Richards et al. 2015 PMID: 25741868, with internal and published modifications).

NM_015450.3(POT1):c.141A>G (p.Val47=)

Gene: POT1 (protection of telomeres 1; minus strand). Cytogenetic location: 7q31.33.
Variant type: single nucleotide variant.
Coding change: c.141A>G on transcript NM_015450.3 (MANE Select); coding-DNA position 141, A replaced by G.
Protein change: p.Val47=; no amino-acid change (valine 47 retained).
Molecular consequence: synonymous variant. On other transcripts: non-coding transcript variant (3), intron variant (1).
Genome position (GRCh38, 1-based): chr7:124,871,025, T>C on the plus strand (A>G on the coding strand, the complement: POT1 is on the minus strand). VCF-style: chr7-124871025-T-C. GRCh37 (hg19) VCF-style: chr7-124511079-T-C.
Other names: c.-138-7385A>G (NM_001042594.2).
Identifiers: ClinVar variation 719883 (VCV000719883.16), dbSNP rs1056627672, ClinGen allele CA166079933.